The following is an entry in ClinVar:

ClinVar aggregate classification (germline): Benign/Likely benign. Review status: criteria provided, multiple submitters, no conflicts (2 of 4 stars). 3 submissions from 3 submitters: Benign (1); Likely benign (2). Last evaluated 2024-08-01.

Conditions:
Familial cancer of breast. Also called: BREAST CANCER, FAMILIAL; hereditary breast carcinoma; Hereditary breast cancer. Identifiers: Orphanet 227535, MedGen C0346153, MONDO:0016419, OMIM 114480. Disease mechanism: loss of function.

Submissions (3):

CeGaT Center for Human Genetics Tuebingen
Classification: Likely benign. Last evaluated: 2024-08-01. Review status: criteria provided, single submitter. Criteria: CeGaT Center For Human Genetics Tuebingen Variant Classification Criteria Version 2. Collection method: clinical testing. Allele origin: germline. Affected: yes. Observed: 1 variant allele.
Comment: BARD1: PM2:Supporting, BP4, BP7

Myriad Genetics, Inc.
Classification: Benign for Familial cancer of breast. Last evaluated: 2024-07-24. Review status: criteria provided, single submitter. Criteria: Myriad Autosomal Dominant, Autosomal Recessive and X-Linked Classification Criteria (2023). Collection method: clinical testing. Allele origin: unknown.
Comment: This variant is considered benign. This variant is a silent/synonymous amino acid change and it is not expected to impact splicing.

Labcorp Genetics (formerly Invitae), Labcorp
Classification: Likely benign for Familial cancer of breast. Last evaluated: 2022-10-05. Review status: criteria provided, single submitter. Criteria: Invitae Variant Classification Sherloc (09022015). Collection method: clinical testing. Allele origin: germline.

NM_000465.4(BARD1):c.1296C>G (p.Leu432=)

Gene: BARD1 (BRCA1 associated RING domain 1; minus strand). Cytogenetic location: 2q35.
Variant type: single nucleotide variant.
Coding change: c.1296C>G on transcript NM_000465.4 (MANE Select); coding-DNA position 1296, C replaced by G.
Protein change: p.Leu432=; no amino-acid change (leucine 432 retained).
Molecular consequence: synonymous variant. On other transcripts: non-coding transcript variant (2), intron variant (3).
Genome position (GRCh38, 1-based): chr2:214,780,578, G>C on the plus strand (C>G on the coding strand, the complement: BARD1 is on the minus strand). VCF-style: chr2-214780578-G-C. GRCh37 (hg19) VCF-style: chr2-215645302-G-C.
Other names: c.1239C>G, p.Leu413= (NM_001282543.2); c.159-28023C>G (NM_001282548.2); c.215+16483C>G (NM_001282545.2); c.364+11719C>G (NM_001282549.2).
Identifiers: ClinVar variation 1157305 (VCV001157305.27), dbSNP rs1694937169, ClinGen allele CA431390950.
Genomic context (GRCh38, chr2:214,780,578, plus strand): 5'-TTGGCCTCATTCTGAGATGGTATTTCAGAGTAAGCATCCTACCTTAATAGAAGCAATATG[G>C]AGCAAAGTCTCTCCTCTATGATTTCTTTTCACAGCCATATTGGGCAACAGCTTCATTGCT-3'
Protein context (NP_000456.2, residues 422-442): VKRNHRGETL[Leu432=]HIASIKGDIP